The following is an entry in ClinVar:

ClinVar aggregate classification (germline): Conflicting classifications of pathogenicity. Review status: criteria provided, conflicting classifications (1 of 4 stars). 2 submissions from 2 submitters: Uncertain significance (1); Likely benign (1). Last evaluated 2025-08-08.

Allele frequency attached by ClinVar (database versions not stated): gnomAD exomes below 0.00001 and 0.00001; ExAC 0.00001; gnomAD 0.00004; TOPMed 0.00007; ESP Exome Variant Server 0.00008.
gnomAD v4.1: 11 of 1,614,092 alleles (0.00068%); highest among the groups gnomAD compares: African/African-American, 0.013%; no homozygotes.

Submissions (2):

Ambry Genetics
Classification: Likely benign. Last evaluated: 2025-08-08. Review status: criteria provided, single submitter. Criteria: Ambry Variant Classification Scheme 2023. Collection method: clinical testing. Allele origin: germline.

Labcorp Genetics (formerly Invitae), Labcorp
Classification: Uncertain significance. Last evaluated: 2022-07-19. Review status: criteria provided, single submitter. Criteria: Invitae Variant Classification Sherloc (09022015). Collection method: clinical testing. Allele origin: germline.
Comment: In summary, the available evidence is currently insufficient to determine the role of this variant in disease. Therefore, it has been classified as a Variant of Uncertain Significance. Algorithms developed to predict the effect of missense changes on protein structure and function output the following: SIFT: "Not Available"; PolyPhen-2: "Benign"; Align-GVGD: "Not Available". The glutamic acid amino acid residue is found in multiple mammalian species, which suggests that this missense change does not adversely affect protein function. ClinVar contains an entry for this variant (Variation ID: 1421577). This variant has not been reported in the literature in individuals affected with OAS1-related conditions. This variant is present in population databases (rs372813548, gnomAD 0.02%). This sequence change replaces lysine with glutamic acid at codon 279 of the OAS1 protein (p.Lys279Glu). The lysine residue is weakly conserved and there is a small physicochemical difference between lysine and glutamic acid.

NM_016816.4(OAS1):c.835A>G (p.Lys279Glu)

Gene: OAS1 (2'-5'-oligoadenylate synthetase 1; plus strand). Cytogenetic location: 12q24.13.
Variant type: single nucleotide variant.
Coding change: c.835A>G on transcript NM_016816.4 (MANE Select); coding-DNA position 835, A replaced by G.
Protein change: p.Lys279Glu; replaces lysine 279 with glutamic acid.
Molecular consequence: missense variant.
Genome position (GRCh38, 1-based): chr12:112,916,689, A>G. VCF-style: chr12-112916689-A-G. GRCh37 (hg19) VCF-style: chr12-113354494-A-G.
Other names: c.835A>G, p.Lys279Glu (NM_001032409.3, NM_001320151.2, NM_002534.4); c.835A>G (NM_016816.2); short protein forms K279E.
Identifiers: ClinVar variation 1421577 (VCV001421577.7), dbSNP rs372813548, ClinGen allele CA6799897.